The following is an entry in ClinVar:

ClinVar aggregate classification (germline): Pathogenic (1 of 4 stars; one submission).

gnomAD v4.1: 6 of 1,614,024 alleles (0.00037%); highest among the groups gnomAD compares: Non-Finnish European, 0.00051%; no homozygotes.

Submission:

Labcorp Genetics (formerly Invitae), Labcorp
Classification: Pathogenic. Last evaluated: 2025-11-03. Review status: criteria provided, single submitter. Criteria: Invitae Variant Classification Sherloc (09022015). Collection method: clinical testing. Allele origin: germline.
Comment: This sequence change creates a premature translational stop signal (p.Arg1238*) in the ITSN1 gene. It is expected to result in an absent or disrupted protein product. Loss-of-function variants in ITSN1 are known to be pathogenic (PMID: 34707297). This variant is not present in population databases (gnomAD no frequency). This premature translational stop signal has been observed in individual(s) with clinical features of ITSN1-related conditions (PMID: 39147844). For these reasons, this variant has been classified as Pathogenic.

Literature cited by the submitters: PubMed 34707297; PubMed 39147844.

NM_003024.3(ITSN1):c.3712C>T (p.Arg1238Ter)

Gene: ITSN1 (intersectin 1; plus strand). Cytogenetic location: 21q22.11.
Variant type: single nucleotide variant.
Coding change: c.3712C>T on transcript NM_003024.3 (MANE Select); coding-DNA position 3712, C replaced by T.
Protein change: p.Arg1238Ter; replaces arginine 1238 with a stop codon.
Molecular consequence: nonsense.
Genome position (GRCh38, 1-based): chr21:33,856,786, C>T. VCF-style: chr21-33856786-C-T. GRCh37 (hg19) VCF-style: chr21-35229090-C-T.
Other names: c.3697C>T, p.Arg1233Ter (NM_001331010.2); short protein forms R1238*, R1233*.
Identifiers: ClinVar variation 4730448 (VCV004730448.1).